The following is an entry in ClinVar:

NM_007194.4(CHEK2):c.501A>G (p.Gly167=)

Gene: CHEK2 (checkpoint kinase 2; minus strand). Cytogenetic location: 22q12.1.
Variant type: single nucleotide variant.
Coding change: c.501A>G on transcript NM_007194.4 (MANE Select); coding-DNA position 501, A replaced by G.
Protein change: p.Gly167=; no amino-acid change (glycine 167 retained).
Molecular consequence: synonymous variant. On other transcripts: 5 prime UTR variant (2), intron variant (1).
Genome position (GRCh38, 1-based): chr22:28,725,068, T>C on the plus strand (A>G on the coding strand, the complement: CHEK2 is on the minus strand). VCF-style: chr22-28725068-T-C. GRCh37 (hg19) VCF-style: chr22-29121056-T-C.
Other names: c.630A>G, p.Gly210= (NM_001005735.3, NM_001438294.1); c.-277A>G (NM_001257387.3); c.-163A>G (NM_001437942.1); c.594A>G, p.Gly198= (NM_001438293.1, NM_001438295.1); c.501A>G, p.Gly167= (NM_145862.3); c.445-145A>G (NM_001349956.3).
Identifiers: ClinVar variation 3773566 (VCV003773566.1).

ClinVar aggregate classification (germline): Benign (1 of 4 stars; one submission).

Conditions:
Familial cancer of breast. Also called: Hereditary breast cancer; BREAST CANCER, FAMILIAL; hereditary breast carcinoma. Identifiers: Orphanet 227535, MedGen C0346153, MONDO:0016419, OMIM 114480. Disease mechanism: loss of function.

Submission:

Myriad Genetics, Inc.
Classification: Benign for Familial cancer of breast. Last evaluated: 2024-10-02. Review status: criteria provided, single submitter. Criteria: Myriad Autosomal Dominant, Autosomal Recessive and X-Linked Classification Criteria (2023). Collection method: clinical testing. Allele origin: unknown.
Comment: This variant is considered benign. This variant is a silent/synonymous amino acid change and it is not expected to impact splicing.